The following is an entry in ClinVar:

NM_001211.6(BUB1B):c.2539C>G (p.Leu847Val)

Gene: BUB1B (BUB1 mitotic checkpoint serine/threonine kinase B; plus strand). Cytogenetic location: 15q15.1.
Variant type: single nucleotide variant.
Coding change: c.2539C>G on transcript NM_001211.6 (MANE Select); coding-DNA position 2539, C replaced by G.
Protein change: p.Leu847Val; replaces leucine 847 with valine.
Molecular consequence: missense variant.
Genome position (GRCh38, 1-based): chr15:40,213,335, C>G. VCF-style: chr15-40213335-C-G. GRCh37 (hg19) VCF-style: chr15-40505536-C-G.
Other names: short protein forms L847V.
Identifiers: ClinVar variation 1792788 (VCV001792788.3), dbSNP rs1383259590, ClinGen allele CA391685905.

ClinVar aggregate classification (germline): Uncertain significance (1 of 4 stars; one submission).

Conditions:
Inborn genetic diseases. Identifiers: MedGen C0950123, MeSH D030342.

Submission:

Ambry Genetics
Classification: Uncertain significance for Inborn genetic diseases. Last evaluated: 2025-06-20. Review status: criteria provided, single submitter. Criteria: Ambry Variant Classification Scheme 2023. Collection method: clinical testing. Allele origin: germline.
Comment: The p.L847V variant (also known as c.2539C>G), located in coding exon 20 of the BUB1B gene, results from a C to G substitution at nucleotide position 2539. The leucine at codon 847 is replaced by valine, an amino acid with highly similar properties. This amino acid position is conserved. In addition, this alteration is predicted to be tolerated by in silico analysis. Since supporting evidence is limited at this time, the clinical significance of this alteration remains unclear.